The following is an entry in ClinVar:

NM_152564.5(VPS13B):c.9563dup (p.Ser3189fs)

Gene: VPS13B (vacuolar protein sorting 13 homolog B; plus strand). Cytogenetic location: 8q22.2.
Variant type: Duplication.
Coding change: c.9563dup on transcript NM_152564.5 (MANE Select); coding-DNA position 9563, one base duplicated (A; older notation c.9563dupA).
Protein change: p.Ser3189fs; shifts the reading frame from serine 3189.
Molecular consequence: frameshift variant.
Genome position (GRCh38, 1-based): chr8:99,832,601, A duplicated. VCF-style (leftmost placement, unchanged base first): chr8-99832600-C-CA. GRCh37 (hg19) VCF-style: chr8-100844828-C-CA.
Other names: c.9638dup, p.Ser3214fs (NM_017890.5); short protein forms S3189fs, S3214fs.
Identifiers: ClinVar variation 1451733 (VCV001451733.6), dbSNP rs2130858386, ClinGen allele CA2573143605.
Genomic context (GRCh38, chr8:99,832,600, plus strand): 5'-GGTGCTGACAGCTCACAGTGCTGGAGCCTGCCAGCTATAGTTAGACCAGAGTTTCCCAGA[C>CA]AGAGTGTGGCAGTACCCCTCGGGAATTTCCGGGAAAATGGATTCTGTACCAGGTATTTTA-3'

ClinVar aggregate classification (germline): Pathogenic (1 of 4 stars; one submission).

Conditions:
Cohen syndrome (COH1). Also called: Cutis verticis gyrata, retinitis pigmentosa, and sensorineural deafness; PEPPER SYNDROME. Identifiers: Orphanet 193, MedGen C0265223, MONDO:0008999, OMIM 216550.

Submission:

Labcorp Genetics (formerly Invitae), Labcorp
Classification: Pathogenic for Cohen syndrome. Last evaluated: 2020-12-25. Review status: criteria provided, single submitter. Criteria: Invitae Variant Classification Sherloc (09022015). Collection method: clinical testing. Allele origin: germline.
Comment: This sequence change creates a premature translational stop signal (p.Ser3214Glufs*39) in the VPS13B gene. It is expected to result in an absent or disrupted protein product. Loss-of-function variants in VPS13B are known to be pathogenic (PMID: 15141358, 16648375, 20461111). For these reasons, this variant has been classified as Pathogenic. This variant has not been reported in the literature in individuals with VPS13B-related conditions. This variant is not present in population databases (ExAC no frequency).

Literature cited by the submitters: PubMed 15141358; PubMed 16648375; PubMed 20461111.